The following is an entry in ClinVar:

ClinVar aggregate classification (germline): Likely benign. Review status: criteria provided, multiple submitters, no conflicts (2 of 4 stars). 2 submissions from 2 submitters: Likely benign (2). Last evaluated 2025-10-26.

Conditions:
Early-infantile DEE. Also called: Early infantile epileptic encephalopathy; Ohtahara syndrome; Early infantile epileptic encephalopathy with suppression bursts. Identifiers: Orphanet 1934, MedGen C0393706, MONDO:0800491.

Allele frequency attached by ClinVar (database versions not stated): TOPMed 0.00003; ESP Exome Variant Server 0.00008.

Submissions (2):

Labcorp Genetics (formerly Invitae), Labcorp
Classification: Likely benign for Early-infantile DEE. Last evaluated: 2025-10-26. Review status: criteria provided, single submitter. Criteria: Invitae Variant Classification Sherloc (09022015). Collection method: clinical testing. Allele origin: germline.

GeneDx
Classification: Likely benign. Last evaluated: 2017-06-22. Review status: criteria provided, single submitter. Criteria: GeneDx Variant Classification (06012015). Collection method: clinical testing. Allele origin: germline. Affected: yes.
Comment: This variant is considered likely benign or benign based on one or more of the following criteria: it is a conservative change, it occurs at a poorly conserved position in the protein, it is predicted to be benign by multiple in silico algorithms, and/or has population frequency not consistent with disease.

NM_001130438.3(SPTAN1):c.2778+10C>A

Gene: SPTAN1 (spectrin alpha, non-erythrocytic 1; plus strand). Cytogenetic location: 9q34.11.
Variant type: single nucleotide variant.
Coding change: c.2778+10C>A on transcript NM_001130438.3 (MANE Select); 10 bases into the intron after coding-DNA position 2778, C replaced by A.
Molecular consequence: intron variant.
Genome position (GRCh38, 1-based): chr9:128,585,975, C>A. VCF-style: chr9-128585975-C-A. GRCh37 (hg19) VCF-style: chr9-131348254-C-A.
Other names: c.2778+10C>A (NM_001363759.2, NM_003127.4, NM_001363765.2 and 1 more transcripts).
Identifiers: ClinVar variation 518163 (VCV000518163.7), dbSNP rs369106919, ClinGen allele CA5264709.